The following is an entry in ClinVar:

ClinVar aggregate classification (germline): Uncertain significance. Review status: criteria provided, multiple submitters, no conflicts (2 of 4 stars). 2 submissions from 2 submitters: Uncertain significance (2). Last evaluated 2025-12-01.

Allele frequency attached by ClinVar (database versions not stated): gnomAD 0.00003; TOPMed 0.00006.
gnomAD v4.1: 145 of 1,614,012 alleles (0.009%); highest among the groups gnomAD compares: Non-Finnish European, 0.011%; no homozygotes.

Submissions (2):

Labcorp Genetics (formerly Invitae), Labcorp
Classification: Uncertain significance. Last evaluated: 2025-12-01. Review status: criteria provided, single submitter. Criteria: Invitae Variant Classification Sherloc (09022015). Collection method: clinical testing. Allele origin: germline.
Comment: This sequence change replaces arginine, which is basic and polar, with cysteine, which is neutral and slightly polar, at codon 76 of the ACOX2 protein (p.Arg76Cys). This variant is present in population databases (rs369658583, gnomAD 0.009%). This variant has not been reported in the literature in individuals affected with ACOX2-related conditions. ClinVar contains an entry for this variant (Variation ID: 2342343). Invitae Evidence Modeling of protein sequence and biophysical properties (such as structural, functional, and spatial information, amino acid conservation, physicochemical variation, residue mobility, and thermodynamic stability) indicates that this missense variant is expected to disrupt ACOX2 protein function with a positive predictive value of 80%. In summary, the available evidence is currently insufficient to determine the role of this variant in disease. Therefore, it has been classified as a Variant of Uncertain Significance.

Ambry Genetics
Classification: Uncertain significance. Last evaluated: 2025-10-18. Review status: criteria provided, single submitter. Criteria: Ambry Variant Classification Scheme 2023. Collection method: clinical testing. Allele origin: germline.

NM_003500.4(ACOX2):c.226C>T (p.Arg76Cys)

Gene: ACOX2 (acyl-CoA oxidase 2; minus strand). Cytogenetic location: 3p14.3.
Variant type: single nucleotide variant.
Coding change: c.226C>T on transcript NM_003500.4 (MANE Select); coding-DNA position 226, C replaced by T.
Protein change: p.Arg76Cys; replaces arginine 76 with cysteine.
Molecular consequence: missense variant.
Genome position (GRCh38, 1-based): chr3:58,534,457, G>A on the plus strand (C>T on the coding strand, the complement: ACOX2 is on the minus strand). VCF-style: chr3-58534457-G-A. GRCh37 (hg19) VCF-style: chr3-58520184-G-A.
Other names: short protein forms R76C.
Identifiers: ClinVar variation 2342343 (VCV002342343.4), dbSNP rs369658583, ClinGen allele CA2472487.